The following is an entry in ClinVar:

ClinVar aggregate classification (germline): Uncertain significance. Review status: criteria provided, multiple submitters, no conflicts (2 of 4 stars). 2 submissions from 2 submitters: Uncertain significance (2). Last evaluated 2024-12-11.

Conditions:
Primary familial hypertrophic cardiomyopathy (HCM). Identifiers: Orphanet 99739, MedGen C0949658, MeSH D024741, MONDO:0024573. Inheritance: Various modes of inheritance.
Dilated cardiomyopathy 1AA (CMD1AA). Also called: CARDIOMYOPATHY, DILATED, 1AA, WITH OR WITHOUT LEFT VENTRICULAR NONCOMPACTION; CARDIOMYOPATHY, FAMILIAL HYPERTROPHIC, 23, WITH OR WITHOUT LEFT VENTRICULAR NONCOMPACTION; Cardiomyopathy, dilated, 1AA, with or without LVNC. Identifiers: Orphanet 154, MedGen C2677338, MONDO:0012808, OMIM 612158.
Cardiovascular phenotype. Identifiers: MedGen CN230736.

Allele frequency attached by ClinVar (database versions not stated): ExAC 0.00001; gnomAD exomes 0.00001.
gnomAD v4.1: 5 of 1,614,094 alleles (0.00031%); highest among the groups gnomAD compares: Non-Finnish European, 0.00042%; no homozygotes.

Submissions (2):

Ambry Genetics
Classification: Uncertain significance for Cardiovascular phenotype. Last evaluated: 2024-12-11. Review status: criteria provided, single submitter. Criteria: Ambry Variant Classification Scheme 2023. Collection method: clinical testing. Allele origin: germline.
Comment: The p.P651L variant (also known as c.1952C>T), located in coding exon 16 of the ACTN2 gene, results from a C to T substitution at nucleotide position 1952. The proline at codon 651 is replaced by leucine, an amino acid with similar properties. This amino acid position is highly conserved in available vertebrate species. In addition, this alteration is predicted to be deleterious by in silico analysis. Since supporting evidence is limited at this time, the clinical significance of this alteration remains unclear.

Labcorp Genetics (formerly Invitae), Labcorp
Classification: Uncertain significance for Primary familial hypertrophic cardiomyopathy; Dilated cardiomyopathy 1AA. Last evaluated: 2022-10-31. Review status: criteria provided, single submitter. Criteria: Invitae Variant Classification Sherloc (09022015). Collection method: clinical testing. Allele origin: germline.
Comment: This sequence change replaces proline, which is neutral and non-polar, with leucine, which is neutral and non-polar, at codon 651 of the ACTN2 protein (p.Pro651Leu). This variant is present in population databases (rs752552408, gnomAD 0.002%). This variant has not been reported in the literature in individuals affected with ACTN2-related conditions. ClinVar contains an entry for this variant (Variation ID: 575198). Advanced modeling of protein sequence and biophysical properties (such as structural, functional, and spatial information, amino acid conservation, physicochemical variation, residue mobility, and thermodynamic stability) has been performed at Invitae for this missense variant, however the output from this modeling did not meet the statistical confidence thresholds required to predict the impact of this variant on ACTN2 protein function. In summary, the available evidence is currently insufficient to determine the role of this variant in disease. Therefore, it has been classified as a Variant of Uncertain Significance.

NM_001103.4(ACTN2):c.1952C>T (p.Pro651Leu)

Gene: ACTN2 (actinin alpha 2; plus strand). Cytogenetic location: 1q43.
Variant type: single nucleotide variant.
Coding change: c.1952C>T on transcript NM_001103.4 (MANE Select); coding-DNA position 1952, C replaced by T.
Protein change: p.Pro651Leu; replaces proline 651 with leucine.
Molecular consequence: missense variant.
Genome position (GRCh38, 1-based): chr1:236,754,059, C>T. VCF-style: chr1-236754059-C-T. GRCh37 (hg19) VCF-style: chr1-236917359-C-T.
Other names: c.1952C>T, p.Pro651Leu (NM_001278343.2); c.1328C>T, p.Pro443Leu (NM_001278344.2); short protein forms P651L, P443L.
Identifiers: ClinVar variation 575198 (VCV000575198.21), dbSNP rs752552408, ClinGen allele CA1473289.
Genomic context (GRCh38, chr1:236,754,059, plus strand): 5'-GCCAGCATGCTAACGAGCGTCTGAGGCGCCAGTTTGCTGCCCAAGCCAATGCCATTGGGC[C>T]CTGGATCCAGAACAAGATGGAGGTAAGCCAGCGCCCTCCCAGGCGCTGTTCACAAGCCTT-3'
Protein context (NP_001094.1, residues 641-661): QFAAQANAIG[Pro651Leu]WIQNKMEEIA